The following is an entry in ClinVar:

ClinVar aggregate classification (germline): Likely benign. Review status: criteria provided, single submitter (1 of 4 stars). 2 submissions from 2 submitters: Likely benign (1). 1 of the submissions does not count toward it. Last evaluated 2025-07-28.

Conditions:
Duchenne muscular dystrophy (DMD). Also called: MUSCULAR DYSTROPHY, PSEUDOHYPERTROPHIC PROGRESSIVE, DUCHENNE TYPE; Duchenne Muscular Dystrophy (DMD). Identifiers: Orphanet 98896, MedGen C0013264, MONDO:0010679, OMIM 310200.
DMD-related disorder. Also called: DMD-related condition.

Submissions (2):

Labcorp Genetics (formerly Invitae), Labcorp
Classification: Likely benign for Duchenne muscular dystrophy. Last evaluated: 2025-07-28. Review status: criteria provided, single submitter. Criteria: Invitae Variant Classification Sherloc (09022015). Collection method: clinical testing. Allele origin: germline.

PreventionGenetics, part of Exact Sciences
Classification: Likely benign for DMD-related condition. Last evaluated: 2021-06-21. Review status: no assertion criteria provided. Collection method: clinical testing. Allele origin: germline. Not counted in ClinVar's aggregate classification.
Comment: This variant is classified as likely benign based on ACMG/AMP sequence variant interpretation guidelines (Richards et al. 2015 PMID: 25741868, with internal and published modifications).

NM_004006.3(DMD):c.9030A>T (p.Ser3010=)

Gene: DMD (dystrophin; minus strand). Cytogenetic location: Xp21.2.
Variant type: single nucleotide variant.
Coding change: c.9030A>T on transcript NM_004006.3 (MANE Select); coding-DNA position 9030, A replaced by T.
Protein change: p.Ser3010=; no amino-acid change (serine 3010 retained).
Molecular consequence: synonymous variant.
Genome position (GRCh38, 1-based): chrX:31,444,535, T>A on the plus strand (A>T on the coding strand, the complement: DMD is on the minus strand). VCF-style: chrX-31444535-T-A. GRCh37 (hg19) VCF-style: chrX-31462652-T-A.
Other names: c.9006A>T, p.Ser3002= (NM_000109.4); c.9018A>T, p.Ser3006= (NM_004009.3); c.8661A>T, p.Ser2887= (NM_004010.3); c.5007A>T, p.Ser1669= (NM_004011.4); c.4998A>T, p.Ser1666= (NM_004012.4); c.1650A>T, p.Ser550= (NM_004013.3, NM_004020.4, NM_004021.3 and 2 more transcripts); c.843A>T, p.Ser281= (NM_004014.3).
Identifiers: ClinVar variation 3057679 (VCV003057679.4), dbSNP rs2524518762, ClinGen allele CA515858227.